The following is an entry in ClinVar:

ClinVar aggregate classification (germline): Uncertain significance. Review status: criteria provided, multiple submitters, no conflicts (2 of 4 stars). 4 submissions from 4 submitters: Uncertain significance (4). Last evaluated 2025-07-01.

Conditions:
Drash syndrome (DDS). Also called: NEPHROPATHY, WILMS TUMOR, AND GENITAL ANOMALIES; WILMS TUMOR AND PSEUDO- OR TRUE HERMAPHRODITISM. Identifiers: Orphanet 220, MedGen C0950121, MONDO:0008682, OMIM 194080.
Wilms tumor 1 (WT1). Also called: Wilms tumor, somatic. Identifiers: Orphanet 654, MedGen CN033288, MONDO:0008679, OMIM 194070.
11p partial monosomy syndrome (WAGR). Also called: WAGR Complex; WAGR syndrome; WAGR Spectrum Disorder; CHROMOSOME 11p13 DELETION SYNDROME. Identifiers: Orphanet 893, MedGen C0206115, MONDO:0008681, OMIM 194072.
Frasier syndrome. Identifiers: Orphanet 347, MedGen C0950122, MeSH D052159, MONDO:0007635, OMIM 136680.
Meacham syndrome. Also called: Meacham Winn Culler syndrome. Identifiers: Orphanet 3097, MedGen C1837026, MONDO:0012164, OMIM 608978.
Aniridia 1 (AN1). Identifiers: Orphanet 250923, MedGen C0344542, MONDO:0024507, OMIM 106210.
Mesothelioma, malignant (MESOM). Also called: Malignant mesothelioma (disease). Identifiers: Orphanet 50251, MedGen C0345967, MONDO:0006292, OMIM 156240, HP:0100001.
Nephrotic syndrome, type 4 (NPHS4). Also called: Familial mesangial sclerosis; Nephrotic syndrome, early onset with diffuse mesangial sclerosis. Identifiers: Orphanet 656, MedGen C3151568, MONDO:0009733, OMIM 256370.
Inborn genetic diseases. Identifiers: MedGen C0950123, MeSH D030342.

Allele frequency attached by ClinVar (database versions not stated): TOPMed below 0.00001; ExAC 0.00001; gnomAD exomes 0.00001 and 0.00003.

Submissions (4):

Labcorp Genetics (formerly Invitae), Labcorp
Classification: Uncertain significance for Wilms tumor 1; Drash syndrome; 11p partial monosomy syndrome; Frasier syndrome. Last evaluated: 2025-07-01. Review status: criteria provided, single submitter. Criteria: Invitae Variant Classification Sherloc (09022015). Collection method: clinical testing. Allele origin: germline.
Comment: This sequence change replaces alanine, which is neutral and non-polar, with threonine, which is neutral and polar, at codon 211 of the WT1 protein (p.Ala211Thr). This variant is present in population databases (rs778069787, gnomAD 0.003%). This variant has not been reported in the literature in individuals affected with WT1-related conditions. ClinVar contains an entry for this variant (Variation ID: 935383). Invitae Evidence Modeling of protein sequence and biophysical properties (such as structural, functional, and spatial information, amino acid conservation, physicochemical variation, residue mobility, and thermodynamic stability) indicates that this missense variant is not expected to disrupt WT1 protein function with a negative predictive value of 95%. In summary, the available evidence is currently insufficient to determine the role of this variant in disease. Therefore, it has been classified as a Variant of Uncertain Significance.

Ambry Genetics
Classification: Uncertain significance for Inborn genetic diseases. Last evaluated: 2025-01-13. Review status: criteria provided, single submitter. Criteria: Ambry Variant Classification Scheme 2023. Collection method: clinical testing. Allele origin: germline.
Comment: The p.A211T variant (also known as c.631G>A), located in coding exon 1 of the WT1 gene, results from a G to A substitution at nucleotide position 631. The alanine at codon 211 is replaced by threonine, an amino acid with similar properties. This amino acid position is conserved. In addition, this alteration is predicted to be tolerated by in silico analysis. Based on the available evidence, the clinical significance of this variant remains unclear.

GeneDx
Classification: Uncertain significance. Last evaluated: 2023-05-05. Review status: criteria provided, single submitter. Criteria: GeneDx Variant Classification Process June 2021. Collection method: clinical testing. Allele origin: germline. Affected: yes.
Comment: Not observed at significant frequency in large population cohorts (gnomAD); In silico analysis supports that this missense variant does not alter protein structure/function; Has not been previously published as pathogenic or benign to our knowledge; This variant is associated with the following publications: (PMID: 8486616, 27149842)

Fulgent Genetics
Classification: Uncertain significance for Aniridia 1; Frasier syndrome; Mesothelioma, malignant; Wilms tumor 1; 11p partial monosomy syndrome; Drash syndrome; Nephrotic syndrome, type 4; Meacham syndrome. Last evaluated: 2021-09-24. Review status: criteria provided, single submitter. Criteria: ACMG Guidelines, 2015. Collection method: clinical testing. Allele origin: unknown.

NM_024426.6(WT1):c.646G>A (p.Ala216Thr)

Genes: WT1 (WT1 transcription factor; minus strand), LOC107982234 (WT1/WT1-AS bi-directional promoter region; plus strand). Cytogenetic location: 11p13.
Variant type: single nucleotide variant.
Coding change: c.646G>A on transcript NM_024426.6 (MANE Select); coding-DNA position 646, G replaced by A.
Protein change: p.Ala216Thr; replaces alanine 216 with threonine.
Molecular consequence: missense variant. On other transcripts: non-coding transcript variant (1).
Genome position (GRCh38, 1-based): chr11:32,434,715, C>T on the plus strand (G>A on the coding strand, the complement: WT1 is on the minus strand). VCF-style: chr11-32434715-C-T. GRCh37 (hg19) VCF-style: chr11-32456261-C-T.
Other names: c.646G>A, p.Ala216Thr (NM_000378.6, NM_024424.5); short protein forms A216T.
Identifiers: ClinVar variation 935383 (VCV000935383.13), dbSNP rs778069787, ClinGen allele CA065166.
Genomic context (GRCh38, chr11:32,434,715, plus strand): 5'-GGCGCCACTGCCCCGCGCGTAGGGGGCGCTCCCCGGCCTACTTACCCTGATTGCGAATAG[C>T]GGGCTGGCTCTCGAGGCAGCTGGGCAGGTAGGGCGCGTTAGGAAACATCCTGGCCTGGCC-3'
Protein context (NP_077744.4, residues 206-226): YLPSCLESQP[Ala216Thr]IRNQGYSTVT